The following is an entry in ClinVar:

ClinVar aggregate classification (germline): Uncertain significance. Review status: criteria provided, multiple submitters, no conflicts (2 of 4 stars). 3 submissions from 3 submitters: Uncertain significance (3). Last evaluated 2022-03-10.

Conditions:
Joubert syndrome 21 (JBTS21). Identifiers: MedGen C3810212, MONDO:0014288, OMIM 615636.

gnomAD v4.1: 10 of 1,612,762 alleles (0.00062%); highest among the groups gnomAD compares: East Asian, 0.0022%; no homozygotes.

Submissions (3):

Labcorp Genetics (formerly Invitae), Labcorp
Classification: Uncertain significance for Joubert syndrome 21. Last evaluated: 2022-03-10. Review status: criteria provided, single submitter. Criteria: Invitae Variant Classification Sherloc (09022015). Collection method: clinical testing. Allele origin: germline.
Comment: In summary, the available evidence is currently insufficient to determine the role of this variant in disease. Therefore, it has been classified as a Variant of Uncertain Significance. Algorithms developed to predict the effect of missense changes on protein structure and function output the following: SIFT: "Tolerated"; PolyPhen-2: "Benign"; Align-GVGD: "Class C0". The histidine amino acid residue is found in multiple mammalian species, which suggests that this missense change does not adversely affect protein function. ClinVar contains an entry for this variant (Variation ID: 983071). This variant has not been reported in the literature in individuals affected with CSPP1-related conditions. This variant is present in population databases (rs775362535, gnomAD 0.003%). This sequence change replaces arginine, which is basic and polar, with histidine, which is basic and polar, at codon 1109 of the CSPP1 protein (p.Arg1109His).

GeneDx
Classification: Uncertain significance. Last evaluated: 2019-07-18. Review status: criteria provided, single submitter. Criteria: GeneDx Variant Classification Process June 2021. Collection method: clinical testing. Allele origin: germline. Affected: yes.
Comment: In silico analysis, which includes protein predictors and evolutionary conservation, supports that this variant does not alter protein structure/function; Has not been previously published as pathogenic or benign to our knowledge

Institute of Human Genetics, University of Leipzig Medical Center
Classification: Uncertain significance for Joubert syndrome 21. Last evaluated: 2019-01-01. Review status: criteria provided, single submitter. Criteria: ACMG Guidelines, 2015. Collection method: clinical testing. Allele origin: unknown. Affected: yes.

NM_001382391.1(CSPP1):c.3341G>A (p.Arg1114His)

Genes: ARFGEF1 (ARF guanine nucleotide exchange factor 1; minus strand), CSPP1 (centrosome and spindle pole associated protein 1; plus strand). Cytogenetic location: 8q13.2.
Variant type: single nucleotide variant.
Coding change: c.3341G>A on transcript NM_001382391.1 (MANE Select); coding-DNA position 3341, G replaced by A.
Protein change: p.Arg1114His; replaces arginine 1114 with histidine.
Molecular consequence: missense variant. On other transcripts: intron variant (3).
Genome position (GRCh38, 1-based): chr8:67,193,474, G>A. VCF-style: chr8-67193474-G-A. GRCh37 (hg19) VCF-style: chr8-68105709-G-A.
Other names: c.2291G>A, p.Arg764His (NM_001291339.2); c.3260G>A, p.Arg1087His (NM_001363131.2); c.3146G>A, p.Arg1049His (NM_001363132.2); c.3065G>A, p.Arg1022His (NM_001363133.2); c.3407G>A, p.Arg1136His (NM_001364869.1); c.3227G>A, p.Arg1076His (NM_001364870.1); c.3173G>A, p.Arg1058His (NM_001438330.1); c.2642G>A, p.Arg881His (NM_001438332.1); and 4 more; short protein forms R1022H, R1049H, R1076H, R1087H, R1109H, R1114H, R1136H, R764H.
Identifiers: ClinVar variation 983071 (VCV000983071.9), dbSNP rs775362535, ClinGen allele CA4771145.